The following is an entry in ClinVar:

NM_001457.4(FLNB):c.7123G>A (p.Val2375Ile)

Genes: FLNB (filamin B; plus strand), FLNB-AS1 (FLNB antisense RNA 1; minus strand). Cytogenetic location: 3p14.3.
Variant type: single nucleotide variant.
Coding change: c.7123G>A on transcript NM_001457.4 (MANE Select); coding-DNA position 7123, G replaced by A.
Protein change: p.Val2375Ile; replaces valine 2375 with isoleucine.
Molecular consequence: missense variant. On other transcripts: non-coding transcript variant (1).
Genome position (GRCh38, 1-based): chr3:58,163,255, G>A. VCF-style: chr3-58163255-G-A. GRCh37 (hg19) VCF-style: chr3-58148982-G-A.
Other names: c.7123G>A (NM_001457.3); c.7216G>A, p.Val2406Ile (NM_001164317.2); c.7090G>A, p.Val2364Ile (NM_001164318.2); c.7051G>A, p.Val2351Ile (NM_001164319.2); short protein forms V2406I, V2351I, V2364I, V2375I.
Identifiers: ClinVar variation 2882715 (VCV002882715.4), dbSNP rs767864936, ClinGen allele CA2469606.

ClinVar aggregate classification (germline): Conflicting classifications of pathogenicity. Review status: criteria provided, conflicting classifications (1 of 4 stars). 2 submissions from 2 submitters: Uncertain significance (1); Likely benign (1). Last evaluated 2025-05-30.

Allele frequency attached by ClinVar (database versions not stated): TOPMed 0.00002; gnomAD 0.00006.
gnomAD v4.1: 78 of 1,614,138 alleles (0.0048%); highest among the groups gnomAD compares: Non-Finnish European, 0.005%; no homozygotes.

Submissions (2):

Labcorp Genetics (formerly Invitae), Labcorp
Classification: Likely benign. Last evaluated: 2025-05-30. Review status: criteria provided, single submitter. Criteria: Invitae Variant Classification Sherloc (09022015). Collection method: clinical testing. Allele origin: germline.

GeneDx
Classification: Uncertain significance. Last evaluated: 2023-10-16. Review status: criteria provided, single submitter. Criteria: GeneDx Variant Classification Process June 2021. Collection method: clinical testing. Allele origin: germline. Affected: yes.
Comment: In silico analysis supports that this missense variant does not alter protein structure/function; Has not been previously published as pathogenic or benign to our knowledge